The following is an entry in ClinVar:

ClinVar aggregate classification (germline): Uncertain significance. Review status: criteria provided, multiple submitters, no conflicts (2 of 4 stars). 3 submissions from 3 submitters: Uncertain significance (3). Last evaluated 2025-09-24.

Conditions:
Deficiency of butyryl-CoA dehydrogenase (ACADSD). Also called: SCADH DEFICIENCY; ACADS DEFICIENCY; SCAD Deficiency; Short-Chain Acyl-CoA Dehydrogenase Deficiency; ACYL-CoA DEHYDROGENASE, SHORT-CHAIN, DEFICIENCY OF; SCAD DEFICIENCY, MILD. Identifiers: Orphanet 26792, MedGen C0342783, MONDO:0008722, OMIM 201470. Disease mechanism: May be benign.

gnomAD v4.1: 5 of 1,607,186 alleles (0.00031%); highest among the groups gnomAD compares: Admixed American, 0.0034%; no homozygotes.

Submissions (3):

Genesolutions, Medical Genetics Institutes, Ho Chi Minh City, Vietnam
Classification: Uncertain significance for Deficiency of butyryl-CoA dehydrogenase. Last evaluated: 2025-09-24. Review status: criteria provided, single submitter. Criteria: ACMG Guidelines, 2015. Collection method: clinical testing. Allele origin: germline. Affected: yes.

Genomic Medicine Center of Excellence, King Faisal Specialist Hospital and Research Centre
Classification: Uncertain significance for Deficiency of butyryl-CoA dehydrogenase. Last evaluated: 2024-04-04. Review status: criteria provided, single submitter. Criteria: ACMG Guidelines, 2015. Collection method: clinical testing. Allele origin: germline.

Labcorp Genetics (formerly Invitae), Labcorp
Classification: Uncertain significance for Deficiency of butyryl-CoA dehydrogenase. Last evaluated: 2023-04-24. Review status: criteria provided, single submitter. Criteria: Invitae Variant Classification Sherloc (09022015). Collection method: clinical testing. Allele origin: germline.
Comment: The frequency data for this variant in the population databases is considered unreliable, as metrics indicate poor data quality at this position in the gnomAD database. In summary, the available evidence is currently insufficient to determine the role of this variant in disease. Therefore, it has been classified as a Variant of Uncertain Significance. Advanced modeling of protein sequence and biophysical properties (such as structural, functional, and spatial information, amino acid conservation, physicochemical variation, residue mobility, and thermodynamic stability) performed at Invitae indicates that this missense variant is expected to disrupt ACADS protein function. ClinVar contains an entry for this variant (Variation ID: 1044097). This variant has not been reported in the literature in individuals affected with ACADS-related conditions. This sequence change replaces aspartic acid, which is acidic and polar, with asparagine, which is neutral and polar, at codon 94 of the ACADS protein (p.Asp94Asn).

NM_000017.4(ACADS):c.280G>A (p.Asp94Asn)

Gene: ACADS (acyl-CoA dehydrogenase short chain; plus strand). Cytogenetic location: 12q24.31.
Variant type: single nucleotide variant.
Coding change: c.280G>A on transcript NM_000017.4 (MANE Select); coding-DNA position 280, G replaced by A.
Protein change: p.Asp94Asn; replaces aspartic acid 94 with asparagine.
Molecular consequence: missense variant.
Genome position (GRCh38, 1-based): chr12:120,737,055, G>A. VCF-style: chr12-120737055-G-A. GRCh37 (hg19) VCF-style: chr12-121174858-G-A.
Other names: c.280G>A, p.Asp94Asn (NM_001302554.2); short protein forms D94N.
Identifiers: ClinVar variation 1044097 (VCV001044097.9), dbSNP rs772604031, ClinGen allele CA6830812.